The following is an entry in ClinVar:

ClinVar aggregate classification (germline): Uncertain significance. Review status: criteria provided, multiple submitters, no conflicts (2 of 4 stars). 7 submissions from 7 submitters: Uncertain significance (7). Last evaluated 2024-09-30.

Conditions:
Familial cancer of breast. Also called: hereditary breast carcinoma; Hereditary breast cancer; BREAST CANCER, FAMILIAL. Identifiers: Orphanet 227535, MedGen C0346153, MONDO:0016419, OMIM 114480. Disease mechanism: loss of function.
Ovarian cancer. Also called: OVARIAN CANCER, SOMATIC. Identifiers: Orphanet 213500, MedGen C1140680, MONDO:0008170, OMIM 167000.
Hereditary cancer-predisposing syndrome. Also called: Hereditary neoplastic syndrome; Hereditary Cancer Syndrome; Neoplastic Syndromes, Hereditary; Tumor predisposition. Identifiers: Orphanet 140162, MedGen C0027672, MeSH D009386, MONDO:0015356.
Hereditary diffuse gastric adenocarcinoma (HDGC). Also called: DIFFUSE GASTRIC AND LOBULAR BREAST CANCER SYNDROME. Identifiers: Orphanet 26106, MedGen C1708349, MONDO:0007648, OMIM 137215.

gnomAD v4.1: 4 of 1,614,224 alleles (0.00025%); highest among the groups gnomAD compares: Non-Finnish European, 0.00034%; no homozygotes.

Submissions (7):

Women's Health and Genetics/Laboratory Corporation of America, LabCorp
Classification: Uncertain significance. Last evaluated: 2024-09-30. Review status: criteria provided, single submitter. Criteria: LabCorp Variant Classification Summary - May 2015. Collection method: clinical testing. Allele origin: germline.
Comment: Variant summary: CDH1 c.1526C>T (p.Thr509Ile) results in a non-conservative amino acid change located in the Cadherin-like domain (IPR002126) of the encoded protein sequence. Three of five in-silico tools predict a benign effect of the variant on protein function. The variant was absent in 251480 control chromosomes. The available data on variant occurrences in the general population are insufficient to allow any conclusion about variant significance. To our knowledge, no occurrence of c.1526C>T in individuals affected with Hereditary Diffuse Gastric Cancer and no experimental evidence demonstrating its impact on protein function have been reported. ClinVar contains an entry for this variant (Variation ID: 422619). Based on the evidence outlined above, the variant was classified as uncertain significance.

Ambry Genetics
Classification: Uncertain significance for Hereditary cancer-predisposing syndrome. Last evaluated: 2024-04-30. Review status: criteria provided, single submitter. Criteria: Ambry Variant Classification Scheme 2023. Collection method: clinical testing. Allele origin: germline.
Comment: The p.T509I variant (also known as c.1526C>T), located in coding exon 10 of the CDH1 gene, results from a C to T substitution at nucleotide position 1526. The threonine at codon 509 is replaced by isoleucine, an amino acid with similar properties. This amino acid position is well conserved in available vertebrate species. In addition, the in silico prediction for this alteration is inconclusive. Based on the available evidence, the clinical significance of this variant remains unclear.

Baylor Genetics
Classification: Uncertain significance for Familial cancer of breast. Last evaluated: 2023-11-18. Review status: criteria provided, single submitter. Criteria: ACMG Guidelines, 2015. Collection method: clinical testing. Allele origin: unknown.

Labcorp Genetics (formerly Invitae), Labcorp
Classification: Uncertain significance for Hereditary diffuse gastric adenocarcinoma. Last evaluated: 2023-10-30. Review status: criteria provided, single submitter. Criteria: Invitae Variant Classification Sherloc (09022015). Collection method: clinical testing. Allele origin: germline.
Comment: This sequence change replaces threonine, which is neutral and polar, with isoleucine, which is neutral and non-polar, at codon 509 of the CDH1 protein (p.Thr509Ile). This variant is not present in population databases (gnomAD no frequency). This variant has not been reported in the literature in individuals affected with CDH1-related conditions. ClinVar contains an entry for this variant (Variation ID: 422619). An algorithm developed to predict the effect of missense changes on protein structure and function (PolyPhen-2) suggests that this variant is likely to be tolerated. In summary, the available evidence is currently insufficient to determine the role of this variant in disease. Therefore, it has been classified as a Variant of Uncertain Significance.

Department of Pathology and Laboratory Medicine, Sinai Health System
Classification: Uncertain significance for Familial cancer of breast; Ovarian cancer. Last evaluated: 2023-08-29. Review status: criteria provided, single submitter. Criteria: ACMG Guidelines, 2015. Collection method: clinical testing. Allele origin: germline. Affected: yes.

Color Diagnostics, LLC DBA Color Health
Classification: Uncertain significance for Hereditary cancer-predisposing syndrome. Last evaluated: 2022-07-12. Review status: criteria provided, single submitter. Criteria: ACMG Guidelines, 2015. Collection method: clinical testing. Allele origin: germline.
Comment: This missense variant replaces threonine with isoleucine at codon 509 of the CDH1 protein. To our knowledge, functional studies have not been reported for this variant. This variant has not been reported in individuals affected with hereditary cancer in the literature. This variant has not been identified in the general population by the Genome Aggregation Database (gnomAD). The available evidence is insufficient to determine the role of this variant in disease conclusively. Therefore, this variant is classified as a Variant of Uncertain Significance.

GeneDx
Classification: Uncertain significance. Last evaluated: 2016-10-26. Review status: criteria provided, single submitter. Criteria: GeneDx Variant Classification (06012015). Collection method: clinical testing. Allele origin: germline. Affected: yes.
Comment: This variant is denoted CDH1 c.1526C>T at the cDNA level, p.Thr509Ile (T509I) at the protein level, and results in the change of a Threonine to an Isoleucine (ACT>ATT). This variant has not, to our knowledge, been published in the literature as either a pathogenic germline variant or a benign polymorphism. However, it has been reported as a somatic variant in a gastric tumor (Grady 2000). CDH1 Thr509Ile was not observed in approximately 6,500 individuals of European and African American ancestry in the NHLBI Exome Sequencing Project, suggesting it is not a common benign variant in these populations. Since Threonine and Isoleucine differ in polarity, charge, size or other properties, this is considered a non-conservative amino acid substitution. CDH1 Thr509Ile occurs at a position that is not conserved and is located in the cadherin 4 domain (UniProt). In silico analyses predict that this variant is probably damaging to protein structure and function. Based on currently available evidence, it is unclear whether CDH1 Thr509Ile is a pathogenic or benign variant. We consider it to be a variant of uncertain significance.

NM_004360.5(CDH1):c.1526C>T (p.Thr509Ile)

Gene: CDH1 (cadherin 1; plus strand). Cytogenetic location: 16q22.1.
Variant type: single nucleotide variant.
Coding change: c.1526C>T on transcript NM_004360.5 (MANE Select); coding-DNA position 1526, C replaced by T.
Protein change: p.Thr509Ile; replaces threonine 509 with isoleucine.
Molecular consequence: missense variant. On other transcripts: 5 prime UTR variant (2).
Genome position (GRCh38, 1-based): chr16:68,815,720, C>T. VCF-style: chr16-68815720-C-T. GRCh37 (hg19) VCF-style: chr16-68849623-C-T.
Other names: c.1526C>T (LRG_301t1); c.1343C>T, p.Thr448Ile (NM_001317184.2); c.-23C>T (NM_001317185.2); c.-294C>T (NM_001317186.2); short protein forms T509I, T448I.
Identifiers: ClinVar variation 422619 (VCV000422619.24), dbSNP rs771551231, ClinGen allele CA16620248.